The following is an entry in ClinVar:

ClinVar aggregate classification (germline): Likely benign. Review status: criteria provided, multiple submitters, no conflicts (2 of 4 stars). 4 submissions from 4 submitters: Likely benign (4). Last evaluated 2025-12-29.

Conditions:
POLD1-related polyposis and colorectal cancer syndrome (CRCS10). Also called: Colorectal cancer 10; COLORECTAL CANCER, SUSCEPTIBILITY TO, ON CHROMOSOME 19q; Colorectal cancer, susceptibility to, 10. Identifiers: Orphanet 220460, MedGen C2675481, MONDO:0012953, OMIM 612591.
Hereditary cancer-predisposing syndrome. Also called: Neoplastic Syndromes, Hereditary; Hereditary neoplastic syndrome; Tumor predisposition; Hereditary Cancer Syndrome. Identifiers: Orphanet 140162, MedGen C0027672, MeSH D009386, MONDO:0015356.
POLD1-related disorder. Also called: POLD1-related condition; POLD1-related disorders.

Allele frequency attached by ClinVar (database versions not stated): gnomAD exomes below 0.00001 and 0.00001; gnomAD 0.00003; TOPMed 0.00003.
gnomAD v4.1: 20 of 1,613,266 alleles (0.0012%); highest among the groups gnomAD compares: Admixed American, 0.0017%; no homozygotes.

Submissions (4):

Labcorp Genetics (formerly Invitae), Labcorp
Classification: Likely benign for POLD1-related polyposis and colorectal cancer syndrome. Last evaluated: 2025-12-29. Review status: criteria provided, single submitter. Criteria: Invitae Variant Classification Sherloc (09022015). Collection method: clinical testing. Allele origin: germline.

PreventionGenetics, part of Exact Sciences
Classification: Likely benign for POLD1-related condition. Last evaluated: 2024-10-13. Review status: criteria provided, single submitter. Criteria: ACMG Guidelines, 2015. Collection method: clinical testing. Allele origin: germline.
Comment: This variant is classified as likely benign based on ACMG/AMP sequence variant interpretation guidelines (Richards et al. 2015 PMID: 25741868, with internal and published modifications).

GeneDx
Classification: Likely benign. Last evaluated: 2017-11-17. Review status: criteria provided, single submitter. Criteria: GeneDx Variant Classification (06012015). Collection method: clinical testing. Allele origin: germline. Affected: yes.
Comment: This variant is considered likely benign or benign based on one or more of the following criteria: it is a conservative change, it occurs at a poorly conserved position in the protein, it is predicted to be benign by multiple in silico algorithms, and/or has population frequency not consistent with disease.

Ambry Genetics
Classification: Likely benign for Hereditary cancer-predisposing syndrome. Last evaluated: 2015-06-28. Review status: criteria provided, single submitter. Criteria: Ambry Variant Classification Scheme 2023. Collection method: clinical testing. Allele origin: germline.

NM_002691.4(POLD1):c.2076G>A (p.Ala692=)

Gene: POLD1 (DNA polymerase delta 1, catalytic subunit; plus strand). Cytogenetic location: 19q13.33.
Variant type: single nucleotide variant.
Coding change: c.2076G>A on transcript NM_002691.4 (MANE Select); coding-DNA position 2076, G replaced by A.
Protein change: p.Ala692=; no amino-acid change (alanine 692 retained).
Molecular consequence: synonymous variant. On other transcripts: non-coding transcript variant (1).
Genome position (GRCh38, 1-based): chr19:50,409,588, G>A. VCF-style: chr19-50409588-G-A. GRCh37 (hg19) VCF-style: chr19-50912845-G-A.
Other names: c.2076G>A, p.Ala692= (NM_001256849.1); c.2154G>A, p.Ala718= (NM_001308632.1).
Identifiers: ClinVar variation 469238 (VCV000469238.17), dbSNP rs1420671052, ClinGen allele CA508185679.